The following is an entry in ClinVar:

NM_001378328.1(CELSR1):c.5861C>T (p.Pro1954Leu)

Gene: CELSR1 (cadherin EGF LAG seven-pass G-type receptor 1; minus strand). Cytogenetic location: 22q13.31.
Variant type: single nucleotide variant.
Coding change: c.5861C>T on transcript NM_001378328.1 (MANE Select); coding-DNA position 5861, C replaced by T.
Protein change: p.Pro1954Leu; replaces proline 1954 with leucine.
Molecular consequence: missense variant.
Genome position (GRCh38, 1-based): chr22:46,394,245, G>A on the plus strand (C>T on the coding strand, the complement: CELSR1 is on the minus strand). VCF-style: chr22-46394245-G-A. GRCh37 (hg19) VCF-style: chr22-46790142-G-A.
Other names: c.5861C>T, p.Pro1954Leu (NM_014246.4); short protein forms P1954L.
Identifiers: ClinVar variation 2653327 (VCV002653327.24), dbSNP rs138703288, ClinGen allele CA10294047.
Genomic context (GRCh38, chr22:46,394,245, plus strand): 5'-AAGCCTTTGCTGACGGCACAGTGGCAGGGTCCACAGACGGGGTTCCCCCACCAGCCTCTG[G>A]GGCACGGAAGGTCGAGTCTGTGGGGAAAATAAGAGGGCAGCTGGAAGGTTTATGTAACTG-3'
Protein context (NP_001365257.1, residues 1944-1964): YCENKLDLPC[Pro1954Leu]RGWWGNPVCG

ClinVar aggregate classification (germline): Benign (1 of 4 stars; one submission).

Allele frequency attached by ClinVar (database versions not stated): 1000 Genomes Project 30x 0.00062; 1000 Genomes Project 0.00080; ExAC 0.00109; TOPMed 0.00117; gnomAD 0.00129; ESP Exome Variant Server 0.00192; gnomAD exomes 0.00201.
gnomAD v4.1: 3,102 of 1,613,626 alleles (0.19%); highest among the groups gnomAD compares: Non-Finnish European, 0.24%; 7 homozygotes.

Submission:

CeGaT Center for Human Genetics Tuebingen
Classification: Benign. Last evaluated: 2024-10-01. Review status: criteria provided, single submitter. Criteria: CeGaT Center For Human Genetics Tuebingen Variant Classification Criteria Version 2. Collection method: clinical testing. Allele origin: germline. Affected: yes. Observed: 4 variant alleles.
Comment: CELSR1: BS1, BS2